The following is an entry in ClinVar:

ClinVar aggregate classification (germline): Uncertain significance (1 of 4 stars; one submission).

gnomAD v4.1: 1 of 1,606,570 alleles (0.000062%); highest among the groups gnomAD compares: Non-Finnish European, 0.000085%; no homozygotes.

Submission:

Labcorp Genetics (formerly Invitae), Labcorp
Classification: Uncertain significance. Last evaluated: 2022-10-23. Review status: criteria provided, single submitter. Criteria: Invitae Variant Classification Sherloc (09022015). Collection method: clinical testing. Allele origin: germline.
Comment: This sequence change replaces tyrosine, which is neutral and polar, with cysteine, which is neutral and slightly polar, at codon 419 of the IFT88 protein (p.Tyr419Cys). This variant is not present in population databases (gnomAD no frequency). This variant has not been reported in the literature in individuals affected with IFT88-related conditions. Algorithms developed to predict the effect of missense changes on protein structure and function are either unavailable or do not agree on the potential impact of this missense change (SIFT: "Not Available"; PolyPhen-2: "Benign"; Align-GVGD: "Not Available"). In summary, the available evidence is currently insufficient to determine the role of this variant in disease. Therefore, it has been classified as a Variant of Uncertain Significance.

NM_006531.5(IFT88):c.1229A>G (p.Tyr410Cys)

Gene: IFT88 (intraflagellar transport 88; plus strand). Cytogenetic location: 13q12.11.
Variant type: single nucleotide variant.
Coding change: c.1229A>G on transcript NM_006531.5 (MANE Select); coding-DNA position 1229, A replaced by G.
Protein change: p.Tyr410Cys; replaces tyrosine 410 with cysteine.
Molecular consequence: missense variant. On other transcripts: non-coding transcript variant (5).
Genome position (GRCh38, 1-based): chr13:20,625,779, A>G. VCF-style: chr13-20625779-A-G. GRCh37 (hg19) VCF-style: chr13-21199918-A-G.
Other names: c.1172A>G, p.Tyr391Cys (NM_001318491.2, NM_001353575.2); c.1256A>G, p.Tyr419Cys (NM_001318493.2, NM_001353565.2, NM_001353566.2 and 2 more transcripts); c.1229A>G, p.Tyr410Cys (NM_001353568.2, NM_001353572.2); c.1154A>G, p.Tyr385Cys (NM_001353569.2, NM_001353570.2, NM_001353576.2 and 1 more transcripts); c.1127A>G, p.Tyr376Cys (NM_001353571.2, NM_001353578.2); c.1085A>G, p.Tyr362Cys (NM_001353573.2); c.1070A>G, p.Tyr357Cys (NM_001353574.2); c.596A>G, p.Tyr199Cys (NM_001353579.2); short protein forms Y362C, Y376C, Y385C, Y419C, Y199C, Y357C, Y391C, Y410C.
Identifiers: ClinVar variation 2035579 (VCV002035579.4), dbSNP rs2548406429, ClinGen allele CA387472084.
Genomic context (GRCh38, chr13:20,625,779, plus strand): 5'-CAAGTAAGGTTTTTTATGCTTTCCCTTATAGGTGCGTGGAAGTGGTGAAAGCTTCTCAAT[A>G]TGTAGAGCTAGCCAATGATCTGGAAATAAACAAAGCAGTTACATACTTGAGACAAAAAGA-3'
Protein context (NP_006522.2, residues 400-420): WCVEVVKASQ[Tyr410Cys]VELANDLEIN